The following is an entry in ClinVar:

ClinVar aggregate classification (germline): Uncertain significance. Review status: criteria provided, multiple submitters, no conflicts (2 of 4 stars). 2 submissions from 2 submitters: Uncertain significance (2). Last evaluated 2022-10-04.

Conditions:
Inborn genetic diseases. Identifiers: MedGen C0950123, MeSH D030342.

Allele frequency attached by ClinVar (database versions not stated): 1000 Genomes Project 30x 0.00031; gnomAD 0.00001; TOPMed 0.00004; ExAC 0.00005; gnomAD exomes 0.00005; 1000 Genomes Project 0.00020.
gnomAD v4.1: 42 of 1,613,906 alleles (0.0026%); highest among the groups gnomAD compares: East Asian, 0.016%; no homozygotes.

Submissions (2):

Labcorp Genetics (formerly Invitae), Labcorp
Classification: Uncertain significance. Last evaluated: 2022-10-04. Review status: criteria provided, single submitter. Criteria: Invitae Variant Classification Sherloc (09022015). Collection method: clinical testing. Allele origin: germline.
Comment: This sequence change replaces arginine, which is basic and polar, with cysteine, which is neutral and slightly polar, at codon 4165 of the LRP2 protein (p.Arg4165Cys). This variant is present in population databases (rs570499038, gnomAD 0.03%). This variant has not been reported in the literature in individuals affected with LRP2-related conditions. ClinVar contains an entry for this variant (Variation ID: 521168). Algorithms developed to predict the effect of missense changes on protein structure and function (SIFT, PolyPhen-2, Align-GVGD) all suggest that this variant is likely to be disruptive. In summary, the available evidence is currently insufficient to determine the role of this variant in disease. Therefore, it has been classified as a Variant of Uncertain Significance.

Ambry Genetics
Classification: Uncertain significance for Inborn genetic diseases. Last evaluated: 2016-08-01. Review status: criteria provided, single submitter. Criteria: Ambry exome assertion method (8-5-2015). Collection method: clinical testing. Allele origin: germline. Affected: yes. Observed: 1 variant allele.

NM_004525.3(LRP2):c.12493C>T (p.Arg4165Cys)

Gene: LRP2 (LDL receptor related protein 2; minus strand). Cytogenetic location: 2q31.1.
Variant type: single nucleotide variant.
Coding change: c.12493C>T on transcript NM_004525.3 (MANE Select); coding-DNA position 12493, C replaced by T.
Protein change: p.Arg4165Cys; replaces arginine 4165 with cysteine.
Molecular consequence: missense variant.
Genome position (GRCh38, 1-based): chr2:169,150,995, G>A on the plus strand (C>T on the coding strand, the complement: LRP2 is on the minus strand). VCF-style: chr2-169150995-G-A. GRCh37 (hg19) VCF-style: chr2-170007505-G-A.
Other names: short protein forms R4165C.
Identifiers: ClinVar variation 521168 (VCV000521168.6), dbSNP rs570499038, ClinGen allele CA1952790.